The following is an entry in ClinVar:

ClinVar aggregate classification (germline): Pathogenic (1 of 4 stars; one submission).

Conditions:
Neuronal ceroid lipofuscinosis 7 (CLN7). Also called: MFSD8-Related Neuronal Ceroid-Lipofuscinosis. Identifiers: Orphanet 168491, Orphanet 228366, MedGen C1838571, MONDO:0012588, OMIM 610951.

Submission:

Labcorp Genetics (formerly Invitae), Labcorp
Classification: Pathogenic for Neuronal ceroid lipofuscinosis 7. Last evaluated: 2022-04-14. Review status: criteria provided, single submitter. Criteria: Invitae Variant Classification Sherloc (09022015). Collection method: clinical testing. Allele origin: germline.
Comment: For these reasons, this variant has been classified as Pathogenic. This variant disrupts a region of the MFSD8 protein in which other variant(s) (p.Arg482*) have been determined to be pathogenic (PMID: 25976102, 28708303). This suggests that this is a clinically significant region of the protein, and that variants that disrupt it are likely to be disease-causing. ClinVar contains an entry for this variant (Variation ID: 1074190). This variant has not been reported in the literature in individuals affected with MFSD8-related conditions. This variant is not present in population databases (gnomAD no frequency). This sequence change creates a premature translational stop signal (p.Thr439Ilefs*5) in the MFSD8 gene. While this is not anticipated to result in nonsense mediated decay, it is expected to disrupt the last 80 amino acid(s) of the MFSD8 protein.

Literature cited by the submitters: PubMed 25976102; PubMed 28708303.

NM_001371596.2(MFSD8):c.1316_1322del (p.Thr439fs)

Gene: MFSD8 (major facilitator superfamily domain containing 8; minus strand). Cytogenetic location: 4q28.2.
Variant type: Deletion.
Coding change: c.1316_1322del on transcript NM_001371596.2 (MANE Select); coding-DNA positions 1316 to 1322, 7 bases deleted (CTCTATA; older notation c.1316_1322delCTCTATA).
Protein change: p.Thr439fs; shifts the reading frame from threonine 439.
Molecular consequence: frameshift variant.
Genome position (GRCh38, 1-based): chr4:127,921,552-127,921,558, TATAGAG deleted on the plus strand (CTCTATA on the coding strand, the reverse complement: MFSD8 is on the minus strand); deleting any 7 consecutive bases within chr4:127,921,552-127,921,563 gives the same sequence; the c. name uses the placement nearest the transcript's 3' end. VCF-style (leftmost placement, unchanged base first): chr4-127921551-ATATAGAG-A. GRCh37 (hg19) VCF-style: chr4-128842706-ATATAGAG-A.
Other names: c.1110_1116delCTATACT, p.Thr372Ilefs (NM_001363520.3); c.996_1002delCTATACT, p.Thr334Ilefs (NM_001363521.3); c.1176_1182delCTATACT, p.Thr394Ilefs (NM_001371590.2); c.1311_1317delCTATACT, p.Thr439Ilefs (NM_001371591.2); c.1317_1323delCTATACT, p.Thr441Ilefs (NM_001371592.2); c.1197_1203delCTATACT, p.Thr401Ilefs (NM_001371593.2); c.1164_1170delCTATACT, p.Thr390Ilefs (NM_001371594.2); c.1034_1040del, p.Thr345fs (NM_001371595.1); and 3 more; short protein forms T334fs, T345fs, T372fs, T390fs, T394fs, T401fs, T439fs, T441fs.
Identifiers: ClinVar variation 1074190 (VCV001074190.7), dbSNP rs2148839459, ClinGen allele CA2499217081.